The following is an entry in ClinVar:

NM_003590.5(CUL3):c.826A>G (p.Ile276Val)

Gene: CUL3 (cullin 3; minus strand). Cytogenetic location: 2q36.2.
Variant type: single nucleotide variant.
Coding change: c.826A>G on transcript NM_003590.5 (MANE Select); coding-DNA position 826, A replaced by G.
Protein change: p.Ile276Val; replaces isoleucine 276 with valine.
Molecular consequence: missense variant.
Genome position (GRCh38, 1-based): chr2:224,511,411, T>C on the plus strand (A>G on the coding strand, the complement: CUL3 is on the minus strand). VCF-style: chr2-224511411-T-C. GRCh37 (hg19) VCF-style: chr2-225376128-T-C.
Other names: c.628A>G, p.Ile210Val (NM_001257197.2); c.844A>G, p.Ile282Val (NM_001257198.2); short protein forms I282V, I210V, I276V.
Identifiers: ClinVar variation 2159372 (VCV002159372.4), dbSNP rs1465086578, ClinGen allele CA350830295.
Genomic context (GRCh38, chr2:224,511,411, plus strand): 5'-TACCTTCTGTCTTTCCATTTTTCAACATATGTACTAGCCCAGAATTCTCCATTTCTACTA[T>C]AGTCTTCATGTGCTTGGAAATGAGTTCCCTTTCAACCACCTTTACAATTGGTTCTTCCGT-3'
Protein context (NP_003581.1, residues 266-286): RELISKHMKT[Ile276Val]VEMENSGLVH

ClinVar aggregate classification (germline): Uncertain significance (1 of 4 stars; one submission).

Allele frequency attached by ClinVar (database versions not stated): gnomAD exomes 0.00001; TOPMed 0.00001.
gnomAD v4.1: 8 of 1,613,934 alleles (0.0005%); highest among the groups gnomAD compares: African/African-American, 0.0013%; no homozygotes.

Submission:

Labcorp Genetics (formerly Invitae), Labcorp
Classification: Uncertain significance. Last evaluated: 2022-04-27. Review status: criteria provided, single submitter. Criteria: Invitae Variant Classification Sherloc (09022015). Collection method: clinical testing. Allele origin: germline.
Comment: In summary, the available evidence is currently insufficient to determine the role of this variant in disease. Therefore, it has been classified as a Variant of Uncertain Significance. Algorithms developed to predict the effect of missense changes on protein structure and function are either unavailable or do not agree on the potential impact of this missense change (SIFT: "Deleterious"; PolyPhen-2: "Benign"; Align-GVGD: "Class C25"). This missense change has been observed in individual(s) with CUL3-related conditions (PMID: 30564305). This variant is present in population databases (no rsID available, gnomAD 0.0009%). This sequence change replaces isoleucine, which is neutral and non-polar, with valine, which is neutral and non-polar, at codon 276 of the CUL3 protein (p.Ile276Val).

Literature cited by the submitters: PubMed 30564305.